The following is an entry in ClinVar:

ClinVar aggregate classification (germline): Benign. Review status: criteria provided, multiple submitters, no conflicts (2 of 4 stars). 5 submissions from 5 submitters: Benign (5). Last evaluated 2026-02-04.

Conditions:
Tyrosinemia type I (TYRSN1). Also called: Tyrosinemia type 1; Fumarylacetoacetase deficiency; Deficiency of fumarylacetoacetase; FAH DEFICIENCY; HEPATORENAL TYROSINEMIA. Identifiers: Orphanet 882, MedGen C0268490, MONDO:0010161, OMIM 276700. Disease mechanism: loss of function.

Allele frequency attached by ClinVar (database versions not stated): gnomAD exomes 0.00211; ExAC 0.00269; gnomAD 0.00879 and 0.00927; ESP Exome Variant Server 0.00969; TOPMed 0.00986; 1000 Genomes Project 0.01118; 1000 Genomes Project 30x 0.01156.
gnomAD v4.1: 2,566 of 1,610,780 alleles (0.16%); highest among the groups gnomAD compares: African/African-American, 3%; 50 homozygotes.

Submissions (5):

Labcorp Genetics (formerly Invitae), Labcorp
Classification: Benign for Tyrosinemia type I. Last evaluated: 2026-02-04. Review status: criteria provided, single submitter. Criteria: Invitae Variant Classification Sherloc (09022015). Collection method: clinical testing. Allele origin: germline.

Mayo Clinic Laboratories, Mayo Clinic
Classification: Benign. Last evaluated: 2025-03-04. Review status: criteria provided, single submitter. Criteria: ACMG Guidelines, 2015. Collection method: clinical testing. Allele origin: germline. Observed: 7 variant alleles.
Comment: BS1, BS2, BP4, BP7

GeneDx
Classification: Benign. Last evaluated: 2018-05-08. Review status: criteria provided, single submitter. Criteria: GeneDx Variant Classification (06012015). Collection method: clinical testing. Allele origin: germline. Affected: yes.
Comment: This variant is considered likely benign or benign based on one or more of the following criteria: it is a conservative change, it occurs at a poorly conserved position in the protein, it is predicted to be benign by multiple in silico algorithms, and/or has population frequency not consistent with disease.

Illumina Laboratory Services, Illumina
Classification: Benign for Tyrosinemia type I. Last evaluated: 2018-01-13. Review status: criteria provided, single submitter. Criteria: ICSL Variant Classification Criteria 13 December 2019. Collection method: clinical testing. Allele origin: germline.
Comment: This variant was observed in the ICSL laboratory as part of a predisposition screen in an ostensibly healthy population. It had not been previously curated by ICSL or reported in the Human Gene Mutation Database (HGMD: prior to June 1st, 2018), and was therefore a candidate for classification through an automated scoring system. Utilizing variant allele frequency, disease prevalence and penetrance estimates, and inheritance mode, an automated score was calculated to assess if this variant is too frequent to cause the disease. Based on the score and internal cut-off values, a variant classified as benign is not then subjected to further curation. The score for this variant resulted in a classification of benign for this disease.

Breakthrough Genomics
Classification: Benign. Review status: criteria provided, single submitter. Criteria: ACMG Guidelines, 2015. Collection method: not provided. Allele origin: germline. Inheritance: Autosomal recessive inheritance. Affected: yes.

NM_000137.4(FAH):c.855G>A (p.Pro285=)

Gene: FAH (fumarylacetoacetate hydrolase; plus strand). Cytogenetic location: 15q25.1.
Variant type: single nucleotide variant.
Coding change: c.855G>A on transcript NM_000137.4 (MANE Select); coding-DNA position 855, G replaced by A.
Protein change: p.Pro285=; no amino-acid change (proline 285 retained).
Molecular consequence: synonymous variant.
Genome position (GRCh38, 1-based): chr15:80,175,033, G>A. VCF-style: chr15-80175033-G-A. GRCh37 (hg19) VCF-style: chr15-80467375-G-A.
Other names: p.Pro285=; c.855G>A (NM_000137.3); c.855G>A, p.Pro285= (NM_001374377.1, NM_001374380.1).
Identifiers: ClinVar variation 317215 (VCV000317215.18), dbSNP rs73481171, ClinGen allele CA7691378.